The following is an entry in ClinVar:

ClinVar aggregate classification (germline): Likely pathogenic (1 of 4 stars; one submission).

Conditions:
CIROP-related disorder. Also called: CIROP-related condition.

Submission:

PreventionGenetics, part of Exact Sciences
Classification: Likely pathogenic for CIROP-related condition. Last evaluated: 2026-09-22. Review status: criteria provided, single submitter. Criteria: ACMG Guidelines, 2015. Collection method: clinical testing. Allele origin: germline.
Comment: The CIROP c.1135-1G>A variant is predicted to disrupt the AG splice acceptor site and interfere with normal splicing. To our knowledge, this variant has not been reported in the literature or in a large population database (gnomAD), indicating this variant is rare. Variants that disrupt the consensus splice acceptor site in CIROP are expected to be pathogenic. This variant is interpreted as likely pathogenic.

NM_001354640.2(CIROP):c.1135-1G>A

Gene: CIROP (ciliated left-right organizer metallopeptidase; minus strand). Cytogenetic location: 14q11.2.
Variant type: single nucleotide variant.
Coding change: c.1135-1G>A on transcript NM_001354640.2 (MANE Select); the canonical splice acceptor site of the intron before coding-DNA position 1135, G replaced by A.
Molecular consequence: splice acceptor variant.
Genome position (GRCh38, 1-based): chr14:23,102,267, C>T on the plus strand (G>A on the coding strand, the complement: CIROP is on the minus strand). VCF-style: chr14-23102267-C-T. GRCh37 (hg19) VCF-style: chr14-23571476-C-T.
Other names: c.970-1G>A (NM_001402427.1).
Identifiers: ClinVar variation 4983557 (VCV004983557.1).